The following is an entry in ClinVar:

NM_000051.4(ATM):c.8766T>C (p.Gly2922=)

Genes: ATM (ATM serine/threonine kinase; plus strand), C11orf65 (chromosome 11 open reading frame 65; minus strand). Cytogenetic location: 11q22.3.
Variant type: single nucleotide variant.
Coding change: c.8766T>C on transcript NM_000051.4 (MANE Select); coding-DNA position 8766, T replaced by C.
Protein change: p.Gly2922=; no amino-acid change (glycine 2922 retained).
Molecular consequence: synonymous variant. On other transcripts: intron variant (2).
Genome position (GRCh38, 1-based): chr11:108,353,860, T>C. VCF-style: chr11-108353860-T-C. GRCh37 (hg19) VCF-style: chr11-108224587-T-C.
Other names: c.8766T>C, p.Gly2922= (NM_001351834.2); c.640+32060A>G (NM_001330368.2); c.695-18568A>G (NM_001351110.2).
Identifiers: ClinVar variation 762721 (VCV000762721.10), dbSNP rs1166849874, ClinGen allele CA476673959.

ClinVar aggregate classification (germline): Benign/Likely benign. Review status: criteria provided, multiple submitters, no conflicts (2 of 4 stars). 3 submissions from 3 submitters: Benign (1); Likely benign (2). Last evaluated 2025-01-21.

Conditions:
Familial cancer of breast. Also called: Hereditary breast cancer; BREAST CANCER, FAMILIAL; hereditary breast carcinoma. Identifiers: Orphanet 227535, MedGen C0346153, MONDO:0016419, OMIM 114480. Disease mechanism: loss of function.
Hereditary cancer-predisposing syndrome. Also called: Tumor predisposition; Hereditary neoplastic syndrome; Neoplastic Syndromes, Hereditary; Hereditary Cancer Syndrome. Identifiers: Orphanet 140162, MedGen C0027672, MeSH D009386, MONDO:0015356.
Ataxia-telangiectasia syndrome (AT). Also called: Ataxia-telangiectasia, complementation group D; AT, COMPLEMENTATION GROUP C; ATAXIA-TELANGIECTASIA, COMPLEMENTATION GROUP A; ATAXIA-TELANGIECTASIA, FRESNO VARIANT; Ataxia-telangiectasia; LOUIS-BAR SYNDROME. Identifiers: Orphanet 100, MedGen C0004135, MONDO:0008840, OMIM 208900.

Allele frequency attached by ClinVar (database versions not stated): gnomAD exomes below 0.00001.
gnomAD v4.1: 2 of 1,613,324 alleles (0.00012%); highest among the groups gnomAD compares: Non-Finnish European, 0.00017%; no homozygotes.

Submissions (3):

Labcorp Genetics (formerly Invitae), Labcorp
Classification: Likely benign for Ataxia-telangiectasia syndrome. Last evaluated: 2025-01-21. Review status: criteria provided, single submitter. Criteria: Invitae Variant Classification Sherloc (09022015). Collection method: clinical testing. Allele origin: germline.

Ambry Genetics
Classification: Likely benign for Hereditary cancer-predisposing syndrome. Last evaluated: 2024-07-25. Review status: criteria provided, single submitter. Criteria: Ambry Variant Classification Scheme 2023. Collection method: clinical testing. Allele origin: germline.

Myriad Genetics, Inc.
Classification: Benign for Familial cancer of breast. Last evaluated: 2024-06-20. Review status: criteria provided, single submitter. Criteria: Myriad Autosomal Dominant, Autosomal Recessive and X-Linked Classification Criteria (2023). Collection method: clinical testing. Allele origin: unknown.
Comment: This variant is considered benign. This variant is a silent/synonymous amino acid change and it is not expected to impact splicing.